The following is an entry in ClinVar:

NM_030777.4(SLC2A10):c.1548G>T (p.Arg516=)

Gene: SLC2A10 (solute carrier family 2 member 10; plus strand). Cytogenetic location: 20q13.12.
Variant type: single nucleotide variant.
Coding change: c.1548G>T on transcript NM_030777.4 (MANE Select); coding-DNA position 1548, G replaced by T.
Protein change: p.Arg516=; no amino-acid change (arginine 516 retained).
Molecular consequence: synonymous variant.
Genome position (GRCh38, 1-based): chr20:46,733,756, G>T. VCF-style: chr20-46733756-G-T. GRCh37 (hg19) VCF-style: chr20-45362395-G-T.
Identifiers: ClinVar variation 263890 (VCV000263890.37), dbSNP rs116344406, ClinGen allele CA9892267.

ClinVar aggregate classification (germline): Benign/Likely benign. Review status: criteria provided, multiple submitters, no conflicts (2 of 4 stars). 6 submissions from 6 submitters: Benign (3); Likely benign (3). Last evaluated 2026-02-02.

Conditions:
Familial thoracic aortic aneurysm and aortic dissection (TAAD). Also called: Thoracic aortic aneurysms and dissections. Identifiers: Orphanet 91387, MedGen C4707243, MONDO:0019625.
Arterial tortuosity syndrome (ATORS). Identifiers: Orphanet 3342, MedGen C1859726, MONDO:0008818, OMIM 208050.

Allele frequency attached by ClinVar (database versions not stated): ESP Exome Variant Server 0.00208; 1000 Genomes Project 0.00319; gnomAD 0.00231 and 0.00241; TOPMed 0.00258; 1000 Genomes Project 30x 0.00297; gnomAD exomes 0.00026 and 0.00061; ExAC 0.00069.
gnomAD v4.1: 749 of 1,614,000 alleles (0.046%); highest among the groups gnomAD compares: African/African-American, 0.75%; 1 homozygote.

Submissions (9):

Labcorp Genetics (formerly Invitae), Labcorp
Classification: Likely benign for Arterial tortuosity syndrome. Last evaluated: 2026-02-02. Review status: criteria provided, single submitter. Criteria: Invitae Variant Classification Sherloc (09022015). Collection method: clinical testing. Allele origin: germline.

ARUP Laboratories, Molecular Genetics and Genomics, ARUP Laboratories
Classification: Benign for Arterial tortuosity syndrome. Last evaluated: 2021-10-07. Review status: criteria provided, single submitter. Criteria: ARUP Molecular Germline Variant Investigation Process 2021. Collection method: clinical testing. Allele origin: germline.

Women's Health and Genetics/Laboratory Corporation of America, LabCorp
Classification: Benign. Last evaluated: 2020-09-24. Review status: criteria provided, single submitter. Criteria: LabCorp Variant Classification Summary - May 2015. Collection method: clinical testing. Allele origin: germline.
Comment: Variant summary: SLC2A10 c.1548G>T (p.Arg516Arg) alters a conserved nucleotide located close to a canonical splice site and therefore could affect mRNA splicing, leading to a significantly altered protein sequence. 4/4 computational tools predict no significant impact on normal splicing. However, these predictions have yet to be confirmed by functional studies. The variant allele was found at a frequency of 0.00061 in 250964 control chromosomes, predominantly at a frequency of 0.0071 within the African or African-American subpopulation in the gnomAD database. The observed variant frequency within African or African-American control individuals in the gnomAD database is approximately 4 fold of the estimated maximal expected allele frequency for a pathogenic variant in SLC2A10 causing Arterial Tortuosity Syndrome phenotype (0.0016), strongly suggesting that the variant is a benign polymorphism found primarily in populations of African or African-American origin. To our knowledge, no occurrence of c.1548G>T in individuals affected with Arterial Tortuosity Syndrome and no experimental evidence demonstrating its impact on protein function have been reported. Five ClinVar submitters (evaluation after 2014) cite the variant as benign/likely benign. Based on the evidence outlined above, the variant was classified as benign.

Illumina Laboratory Services, Illumina
Classification: Likely benign for Arterial tortuosity syndrome. Last evaluated: 2018-01-13. Review status: criteria provided, single submitter. Criteria: ICSL Variant Classification Criteria 13 December 2019. Collection method: clinical testing. Allele origin: germline.
Comment: This variant was observed in the ICSL laboratory as part of a predisposition screen in an ostensibly healthy population. It had not been previously curated by ICSL or reported in the Human Gene Mutation Database (HGMD: prior to June 1st, 2018), and was therefore a candidate for classification through an automated scoring system. Utilizing variant allele frequency, disease prevalence and penetrance estimates, and inheritance mode, an automated score was calculated to assess if this variant is too frequent to cause the disease. Based on the score and internal cut-off values, a variant classified as likely benign is not then subjected to further curation. The score for this variant resulted in a classification of likely benign for this disease.

GeneDx
Classification: Benign. Last evaluated: 2015-09-02. Review status: criteria provided, single submitter. Criteria: GeneDx Variant Classification (06012015). Collection method: clinical testing. Allele origin: germline. Affected: yes.
Comment: This variant is considered likely benign or benign based on one or more of the following criteria: it is a conservative change, it occurs at a poorly conserved position in the protein, it is predicted to be benign by multiple in silico algorithms, and/or has population frequency not consistent with disease.

Ambry Genetics
Classification: Likely benign for Familial thoracic aortic aneurysm and aortic dissection. Last evaluated: 2015-02-03. Review status: criteria provided, single submitter. Criteria: Ambry Variant Classification Scheme 2023. Collection method: clinical testing. Allele origin: germline.

Dr. Peter K. Rogan Lab, Western University
No classification provided (evidence only). Condition: Clear cell carcinoma of kidney. Review status: no classification provided. Collection method: in vitro. Allele origin: not applicable. Functional consequence: retained intron. Not counted in ClinVar's aggregate classification.

Dr. Peter K. Rogan Lab, Western University
No classification provided (evidence only). Condition: Thyroid cancer, nonmedullary, 1. Review status: no classification provided. Collection method: in vitro. Allele origin: not applicable. Functional consequence: retained intron. Not counted in ClinVar's aggregate classification.

Dr. Peter K. Rogan Lab, Western University
No classification provided (evidence only). Condition: Thymoma. Review status: no classification provided. Collection method: in vitro. Allele origin: not applicable. Functional consequence: retained intron. Not counted in ClinVar's aggregate classification.